The following is an entry in ClinVar:

ClinVar aggregate classification (germline): Benign/Likely benign. Review status: criteria provided, multiple submitters, no conflicts (2 of 4 stars). 9 submissions from 8 submitters: Benign (5); Likely benign (4). Last evaluated 2026-02-03.

Conditions:
Spherocytosis. Identifiers: MedGen C0553720, HP:0004444.
Hereditary spherocytosis type 1. Also called: Spherocytosis type 1; ANK1-Related Spherocytosis. Identifiers: Orphanet 822, MedGen C2674218, MONDO:0008447, OMIM 182900.

Allele frequency attached by ClinVar (database versions not stated): 1000 Genomes Project 30x 0.01031; 1000 Genomes Project 0.01178; TOPMed 0.01196; gnomAD 0.01208 and 0.01258; ESP Exome Variant Server 0.01369; gnomAD exomes 0.01571 and 0.01953; ExAC 0.01614.
gnomAD v4.1: 30,279 of 1,614,130 alleles (1.9%); highest among the groups gnomAD compares: South Asian, 3.3%; 379 homozygotes.

Submissions (9):

Labcorp Genetics (formerly Invitae), Labcorp
Classification: Benign. Last evaluated: 2026-02-03. Review status: criteria provided, single submitter. Criteria: Invitae Variant Classification Sherloc (09022015). Collection method: clinical testing. Allele origin: germline.

ARUP Laboratories, Molecular Genetics and Genomics, ARUP Laboratories
Classification: Benign for Hereditary spherocytosis type 1. Last evaluated: 2025-07-17. Review status: criteria provided, single submitter. Criteria: ARUP Molecular Germline Variant Investigation Process 2024. Collection method: clinical testing. Allele origin: germline.

Mayo Clinic Laboratories, Mayo Clinic
Classification: Likely benign. Last evaluated: 2025-03-04. Review status: criteria provided, single submitter. Criteria: ACMG Guidelines, 2015. Collection method: clinical testing. Allele origin: germline. Observed: 75 variant alleles.
Comment: BS1, BP4, BP7

Blueprint Genetics
Classification: Likely benign. Last evaluated: 2024-11-26. Review status: criteria provided, single submitter. Criteria: ACMG Guidelines, 2015. Collection method: clinical testing. Allele origin: germline.

Genome-Nilou Lab
Classification: Benign for Hereditary spherocytosis type 1. Last evaluated: 2021-12-05. Review status: criteria provided, single submitter. Criteria: ACMG Guidelines, 2015. Collection method: clinical testing. Allele origin: germline. Affected: no.

Illumina Laboratory Services, Illumina
Classification: Benign for Hereditary spherocytosis type 1. Last evaluated: 2018-01-13. Review status: criteria provided, single submitter. Criteria: ICSL Variant Classification Criteria 13 December 2019. Collection method: clinical testing. Allele origin: germline.
Comment: This variant was observed in the ICSL laboratory as part of a predisposition screen in an ostensibly healthy population. It had not been previously curated by ICSL or reported in the Human Gene Mutation Database (HGMD: prior to June 1st, 2018), and was therefore a candidate for classification through an automated scoring system. Utilizing variant allele frequency, disease prevalence and penetrance estimates, and inheritance mode, an automated score was calculated to assess if this variant is too frequent to cause the disease. Based on the score and internal cut-off values, a variant classified as benign is not then subjected to further curation. The score for this variant resulted in a classification of benign for this disease.

Illumina Laboratory Services, Illumina
Classification: Likely benign for Spherocytosis. Last evaluated: 2018-01-13. Review status: criteria provided, single submitter. Criteria: ICSL Variant Classification Criteria 13 December 2019. Collection method: clinical testing. Allele origin: germline.
Comment: This variant was observed in the ICSL laboratory as part of a predisposition screen in an ostensibly healthy population. It had not been previously curated by ICSL or reported in the Human Gene Mutation Database (HGMD: prior to June 1st, 2018), and was therefore a candidate for classification through an automated scoring system. Utilizing variant allele frequency, disease prevalence and penetrance estimates, and inheritance mode, an automated score was calculated to assess if this variant is too frequent to cause the disease. Based on the score and internal cut-off values, a variant classified as likely benign is not then subjected to further curation. The score for this variant resulted in a classification of likely benign for this disease.

Breakthrough Genomics
Classification: Likely benign. Review status: criteria provided, single submitter. Criteria: ACMG Guidelines, 2015. Collection method: not provided. Allele origin: germline. Inheritance: Autosomal dominant inheritance. Affected: yes.

PreventionGenetics, part of Exact Sciences
Classification: Benign. Review status: criteria provided, single submitter. Criteria: ACMG Guidelines, 2015. Collection method: clinical testing. Allele origin: germline.

NM_000037.4(ANK1):c.183G>C (p.Val61=)

Gene: ANK1 (ankyrin 1; minus strand). Cytogenetic location: 8p11.21.
Variant type: single nucleotide variant.
Coding change: c.183G>C on transcript NM_000037.4 (MANE Select); coding-DNA position 183, G replaced by C.
Protein change: p.Val61=; no amino-acid change (valine 61 retained).
Molecular consequence: synonymous variant.
Genome position (GRCh38, 1-based): chr8:41,734,016, C>G on the plus strand (G>C on the coding strand, the complement: ANK1 is on the minus strand). VCF-style: chr8-41734016-C-G. GRCh37 (hg19) VCF-style: chr8-41591534-C-G.
Other names: p.Val61=; c.282G>C, p.Val94= (NM_001142446.2); c.183G>C, p.Val61= (NM_020475.3, NM_020476.3, NM_020477.3).
Identifiers: ClinVar variation 261295 (VCV000261295.31), dbSNP rs61753680, ClinGen allele CA4729072.